The following is an entry in ClinVar:

ClinVar aggregate classification (germline): Uncertain significance (1 of 4 stars; one submission).

Submission:

Ambry Genetics
Classification: Uncertain significance. Last evaluated: 2023-02-12. Review status: criteria provided, single submitter. Criteria: Ambry Variant Classification Scheme 2023. Collection method: clinical testing. Allele origin: germline.
Comment: The p.G245V variant (also known as c.734G>T), located in coding exon 8 of the BUB1 gene, results from a G to T substitution at nucleotide position 734. The glycine at codon 245 is replaced by valine, an amino acid with dissimilar properties. This amino acid position is conserved. In addition, the in silico prediction for this alteration is inconclusive. Since supporting evidence is limited at this time, the clinical significance of this alteration remains unclear.

NM_004336.5(BUB1):c.734G>T (p.Gly245Val)

Gene: BUB1 (BUB1 mitotic checkpoint serine/threonine kinase; minus strand). Cytogenetic location: 2q13.
Variant type: single nucleotide variant.
Coding change: c.734G>T on transcript NM_004336.5 (MANE Select); coding-DNA position 734, G replaced by T.
Protein change: p.Gly245Val; replaces glycine 245 with valine.
Molecular consequence: missense variant.
Genome position (GRCh38, 1-based): chr2:110,667,592, C>A on the plus strand (G>T on the coding strand, the complement: BUB1 is on the minus strand). VCF-style: chr2-110667592-C-A. GRCh37 (hg19) VCF-style: chr2-111425169-C-A.
Other names: c.674G>T, p.Gly225Val (NM_001278616.2); c.734G>T, p.Gly245Val (NM_001278617.2); short protein forms G225V, G245V.
Identifiers: ClinVar variation 2451268 (VCV002451268.2), dbSNP rs2468028140, ClinGen allele CA348217649.
Genomic context (GRCh38, chr2:110,667,592, plus strand): 5'-TGCTTTCTCCGTTGATTGTATTTCTGGGCTCTCAATTCTTCAAAGGAAAATTCTGATTCC[C>A]CACGAATAAGCTTCTCCTTGCAATACATAACAACCTGCTCAACATCAACTTTGGATGCCA-3'
Protein context (NP_004327.1, residues 235-255): VMYCKEKLIR[Gly245Val]ESEFSFEELR